The following is an entry in ClinVar:

GRCh37/hg19 4q35.1-35.2(chr4:185748860-188413920)x1

Genes: ANKRD37 (ankyrin repeat domain 37; plus strand), CCDC110 (coiled-coil domain containing 110; minus strand), CFAP96 (cilia and flagella associated protein 96; plus strand), CFAP97 (cilia and flagella associated protein 97; minus strand), CYP4V2 (cytochrome P450 family 4 subfamily V member 2; plus strand) and 13 more. Cytogenetic location: 4q35.1-35.2.
Variant type: copy number loss.
Change: copy number 1 (one copy instead of two) of chr4:185,748,860-188,413,920 (2.67 Mb, GRCh37 coordinates, 1-based), cytogenetic band 4q35.1-35.2.
Identifiers: ClinVar variation 1807774 (VCV001807774.1).

ClinVar aggregate classification (germline): Pathogenic (1 of 4 stars; one submission).

Submission:

Quest Diagnostics Nichols Institute San Juan Capistrano
Classification: Pathogenic. Last evaluated: 2021-10-07. Review status: criteria provided, single submitter. Criteria: ACMG/ClinGen CNV Guidelines, 2019. Collection method: clinical testing. Allele origin: unknown.
Comment: The copy number loss of 4q34.3q35.2 involves several protein-coding genes and is expected to cause phenotypic and/or developmental abnormalities. It includes three genes associated with autosomal dominant disorders: SLC25A4 (OMIM 103220), UFSP2 (OMIM 611482), and TLR3 (OMIM 603029). Interstitial or terminal deletions overlapping this region are associated with chromosome 4q deletion syndrome, a rare multisystem disorder characterized by a spectrum of phenotypic abnormalities, including developmental delay, autism spectrum disorder, growth retardation, craniofacial dysmorphism, digital anomalies, and abnormalities of the cardiovascular, musculoskeletal, urogenital, and gastrointestinal systems (Tidrenczel 2019). Genotype-phenotype correlation studies have suggested that a critical region within 4q35.1, which is fully encompassed in the current interval and involves the MTNR1A and FAT1 genes, may be associated with the autistic features and neurocognitive deficits associated with 4q deletion syndrome (Vona 2014, Roberts 2014, Strehle 2012, Youngs 2012). Additionally, a de novo 464-kb deletion involving the SORBS2 and TLR3 genes, both of which are encompassed in this interval, was identified in patient with multiple congenital anomalies, including macrocephaly, ventriculomegaly, digital anomalies, small hands and feet, cleft palate, hypotonia, cardiac defects, recurrent rhinitis, and craniofacial dysmorphic features; however, no cognitive or behavioral abnormalities were reported (Vona 2014). Of note, SORBS2 has been suggested as a risk locus for the cardiac anomalies of 4q deletion syndrome (Liang 2021). Further, there are multiple genes in this copy number loss that are associated with autosomal recessive disorders: SLC25A4, TLR3, CYP4V2 (OMIM 608614), and KLKB1 (OMIM 229000). References: Chien et al., Clin Genet. 2010 Nov;78(5):449-56. PMID: 20236125. Liang et al., Elife. 2021 Jun 8;10:e67481. PMID: 34099102. Roberts et al., Gene. 2014 Feb 1;535(1):70-8. PMID: 24188901. Tidrenczel et al., Cytogenet Genome Res. 2019;158(2):63-73. PMID: 31261151. Vona et al., BMC Med Genet. 2014 Jun 25;15:72. PMID: 24962056. Youngs et al., Clin Dysmorphol. 2012 Apr;21(2):93-96. PMID: 22127048.